The following is an entry in ClinVar:

NM_000059.4(BRCA2):c.-39-332G>T

Genes: BRCA2 (BRCA2 DNA repair associated; plus strand), LOC130009523 (ATAC-STARR-seq lymphoblastoid active region 7554; plus strand). Cytogenetic location: 13q13.1.
Variant type: single nucleotide variant.
Coding change: c.-39-332G>T on transcript NM_000059.4 (MANE Select); 332 bases into the intron before 39 bases upstream of the start codon, G replaced by T.
Molecular consequence: intron variant.
Genome position (GRCh38, 1-based): chr13:32,316,090, G>T. VCF-style: chr13-32316090-G-T. GRCh37 (hg19) VCF-style: chr13-32890227-G-T.
Other names: IVS 1-332G>T.
Identifiers: ClinVar variation 209603 (VCV000209603.4), dbSNP rs9567552, ClinGen allele CA276572.

ClinVar aggregate classification (germline): Benign. Review status: reviewed by expert panel (3 of 4 stars). 2 submissions from 2 submitters: Benign (1). 1 of the submissions does not count toward it. Last evaluated 2015-01-12.

Conditions:
Breast-ovarian cancer, familial, susceptibility to, 2 (BROVCA2). Also called: BRCA2 Hereditary Breast and Ovarian Cancer. Identifiers: Orphanet 145, MedGen C2675520, MONDO:0012933, OMIM 612555. Disease mechanism: loss of function.

Allele frequency attached by ClinVar (database versions not stated): 1000 Genomes Project 30x 0.21190; 1000 Genomes Project 0.21645; gnomAD 0.22433 and 0.22676; TOPMed 0.22606.
gnomAD v4.1: 34,428 of 152,126 alleles (23%); highest among the groups gnomAD compares: East Asian, 35%; 4,017 homozygotes.

Submissions (2):

Evidence-based Network for the Interpretation of Germline Mutant Alleles (ENIGMA)
Classification: Benign for Breast-ovarian cancer, familial 2. Last evaluated: 2015-01-12. Review status: reviewed by expert panel. Criteria: ENIGMA BRCA1/2 Classification Criteria (2015). Collection method: curation. Allele origin: germline.
Comment: Class 1 not pathogenic based on frequency >1% in an outbred sampleset. Frequency 0.3374 (Asian), 0.128 (African), 0.2124 (European), derived from 1000 genomes (2012-04-30).

GeneDx
Classification: Benign. Last evaluated: 2018-07-09. Review status: criteria provided, single submitter. Criteria: GeneDx Variant Classification Process June 2021. Collection method: clinical testing. Allele origin: germline. Affected: yes. Not counted in ClinVar's aggregate classification.